The following is an entry in ClinVar:

NM_024642.5(GALNT12):c.1069C>G (p.Pro357Ala)

Gene: GALNT12 (polypeptide N-acetylgalactosaminyltransferase 12; plus strand). Cytogenetic location: 9q22.33.
Variant type: single nucleotide variant.
Coding change: c.1069C>G on transcript NM_024642.5 (MANE Select); coding-DNA position 1069, C replaced by G.
Protein change: p.Pro357Ala; replaces proline 357 with alanine.
Molecular consequence: missense variant.
Genome position (GRCh38, 1-based): chr9:98,837,005, C>G. VCF-style: chr9-98837005-C-G. GRCh37 (hg19) VCF-style: chr9-101599287-C-G.
Other names: short protein forms P357A.
Identifiers: ClinVar variation 3518492 (VCV003518492.1).

ClinVar aggregate classification (germline): Uncertain significance (1 of 4 stars; one submission).

Submission:

Ambry Genetics
Classification: Uncertain significance. Last evaluated: 2024-08-05. Review status: criteria provided, single submitter. Criteria: Ambry Variant Classification Scheme 2023. Collection method: clinical testing. Allele origin: germline.
Comment: The p.P357A variant (also known as c.1069C>G), located in coding exon 6 of the GALNT12 gene, results from a C to G substitution at nucleotide position 1069. The proline at codon 357 is replaced by alanine, an amino acid with highly similar properties. This amino acid position is conserved. In addition, this alteration is predicted to be deleterious by in silico analysis. Based on the available evidence, the clinical significance of this variant remains unclear.